The following is an entry in ClinVar:

ClinVar aggregate classification (germline): Pathogenic (1 of 4 stars; one submission).

Conditions:
Tuberous sclerosis 1 (TSC1). Identifiers: Orphanet 805, MedGen C1854465, MONDO:0008612, OMIM 191100.

Submission:

Labcorp Genetics (formerly Invitae), Labcorp
Classification: Pathogenic for Tuberous sclerosis 1. Last evaluated: 2019-11-11. Review status: criteria provided, single submitter. Criteria: Invitae Variant Classification Sherloc (09022015). Collection method: clinical testing. Allele origin: germline.
Comment: This sequence change creates a premature translational stop signal (p.Ser410Hisfs*30) in the TSC1 gene. It is expected to result in an absent or disrupted protein product. This variant is not present in population databases (ExAC no frequency). This variant has been reported in individuals in the Leiden Open-source Variation Database (PMID: 21520333). Loss-of-function variants in TSC1 are known to be pathogenic (PMID: 10227394, 17304050). For these reasons, this variant has been classified as Pathogenic.

Literature cited by the submitters: PubMed 21520333.

NM_000368.5(TSC1):c.1228del (p.Ser410fs)

Gene: TSC1 (TSC complex subunit 1; minus strand). Cytogenetic location: 9q34.13.
Variant type: Deletion.
Coding change: c.1228del on transcript NM_000368.5 (MANE Select); coding-DNA position 1228, one base deleted (T; older notation c.1228delT).
Protein change: p.Ser410fs; shifts the reading frame from serine 410.
Molecular consequence: frameshift variant.
Genome position (GRCh38, 1-based): chr9:132,910,606, A deleted on the plus strand (T on the coding strand, the reverse complement: TSC1 is on the minus strand); the first of 3 consecutive A bases (chr9:132,910,606-132,910,608); deleting any one gives the same sequence. VCF-style (leftmost placement, unchanged base first): chr9-132910605-GA-G. GRCh37 (hg19) VCF-style: chr9-135785992-GA-G.
Other names: c.1225del, p.Ser409fs (NM_001162426.2); c.1075del, p.Ser359fs (NM_001162427.2); c.865del, p.Ser289fs (NM_001362177.2); short protein forms S289fs, S410fs, S359fs, S409fs.
Identifiers: ClinVar variation 969404 (VCV000969404.1), dbSNP rs1845899274, ClinGen allele CA1139661284.